The following is an entry in ClinVar:

ClinVar aggregate classification (germline): Likely benign. Review status: criteria provided, multiple submitters, no conflicts (2 of 4 stars). 4 submissions from 4 submitters: Likely benign (2). 2 of the submissions do not count toward it. Last evaluated 2026-01-12.

Conditions:
Frontotemporal dementia and/or amyotrophic lateral sclerosis 7 (FTDALS7). Also called: Amyotrophic lateral sclerosis 17; CHMP2B-Related Frontotemporal Dementia-Amyotrophic Lateral Sclerosis; AMYOTROPHIC LATERAL SCLEROSIS, CHMP2B-RELATED; CHMP2B-related frontotemporal dementia. Identifiers: Orphanet 275864, Orphanet 282, Orphanet 803, MedGen C1833296, MONDO:0010936, OMIM 600795.
CHMP2B-related disorder. Also called: CHMP2B-related condition.

Allele frequency attached by ClinVar (database versions not stated): gnomAD 0.00048 and 0.00046; gnomAD exomes 0.00006 and 0.00012; ExAC 0.00011; 1000 Genomes Project 0.00020; ESP Exome Variant Server 0.00031; TOPMed 0.00033; 1000 Genomes Project 30x 0.00047.
gnomAD v4.1: 157 of 1,613,788 alleles (0.0097%); highest among the groups gnomAD compares: African/African-American, 0.13%; no homozygotes.

Submissions (4):

Women's Health and Genetics/Laboratory Corporation of America, LabCorp
Classification: Likely benign. Last evaluated: 2026-01-12. Review status: criteria provided, single submitter. Criteria: LabCorp Variant Classification Summary - May 2015. Collection method: clinical testing. Allele origin: germline.
Comment: Variant summary: CHMP2B c.88A>G (p.Arg30Gly) results in a non-conservative amino acid change in the encoded protein sequence. Algorithms developed to predict the effect of missense changes on protein structure and function all suggest that this variant is likely to be disruptive. The variant allele was found at a frequency of 0.00012 in 251274 control chromosomes, predominantly at a frequency of 0.001 within the African or African-American subpopulation in the gnomAD database. The observed variant frequency within African or African-American control individuals in the gnomAD database exceeds the estimated maximal expected allele frequency for disease-causing variants in CHMP2B. To our knowledge, no occurrence of c.88A>G in individuals affected with CHMP2B-related conditions and no experimental evidence demonstrating its impact on protein function have been reported. ClinVar contains an entry for this variant (Variation ID: 1048977). Based on the evidence outlined above, the variant was classified as likely benign.

Labcorp Genetics (formerly Invitae), Labcorp
Classification: Likely benign for Frontotemporal dementia and/or amyotrophic lateral sclerosis 7. Last evaluated: 2025-05-21. Review status: criteria provided, single submitter. Criteria: Invitae Variant Classification Sherloc (09022015). Collection method: clinical testing. Allele origin: germline.

PreventionGenetics, part of Exact Sciences
Classification: Uncertain significance for CHMP2B-related condition. Last evaluated: 2024-05-23. Review status: no assertion criteria provided. Collection method: clinical testing. Allele origin: germline. Not counted in ClinVar's aggregate classification.
Comment: The CHMP2B c.88A>G variant is predicted to result in the amino acid substitution p.Arg30Gly. This variant was reported in an individual with amyotrophic lateral sclerosis (Table 3, Shepheard et al 2021. PubMed ID: 33589474); however, it is reported in 0.10% of alleles in individuals of African descent in gnomAD, which may be too high to be a primary cause of disease. Although we suspect this variant may be benign, at this time, the clinical significance of this variant is uncertain due to the absence of conclusive functional and genetic evidence.

Department of Pathology and Laboratory Medicine, Sinai Health System
Classification: Uncertain significance. Review status: no assertion criteria provided. Collection method: clinical testing. Allele origin: unknown. Affected: yes. Study: The Canadian Open Genetics Repository (COGR). Not counted in ClinVar's aggregate classification.
Comment: The CHMP2B p.Arg30Gly variant was not identified in the literature nor was it identified in ClinVar or LOVD 3.0. The variant was identified in dbSNP (ID: rs139894940) and in control databases in 39 of 282674 chromosomes at a frequency of 0.000138 (Genome Aggregation Database March 6, 2019, v2.1.1). The variant was observed in the following populations: African in 25 of 24964 chromosomes (freq: 0.001001), Other in 1 of 7216 chromosomes (freq: 0.000139) and European (non-Finnish) in 13 of 129024 chromosomes (freq: 0.000101), but was not observed in the Latino, Ashkenazi Jewish, East Asian, European (Finnish), or South Asian populations. The p.Arg30 residue is conserved in mammals but not in more distantly related organisms, and four out of five computational analyses (PolyPhen-2, SIFT, AlignGVGD, BLOSUM, MutationTaster) suggest that the variant may impact the protein; however, this information is not predictive enough to assume pathogenicity. The variant occurs outside of the splicing consensus sequence and in silico or computational prediction software programs (SpliceSiteFinder, MaxEntScan, NNSPLICE, GeneSplicer) do not predict a difference in splicing. In summary, based on the above information the clinical significance of this variant cannot be determined with certainty at this time. This variant is classified as a variant of uncertain significance.

NM_014043.4(CHMP2B):c.88A>G (p.Arg30Gly)

Gene: CHMP2B (charged multivesicular body protein 2B; plus strand). Cytogenetic location: 3p11.2.
Variant type: single nucleotide variant.
Coding change: c.88A>G on transcript NM_014043.4 (MANE Select); coding-DNA position 88, A replaced by G.
Protein change: p.Arg30Gly; replaces arginine 30 with glycine.
Molecular consequence: missense variant. On other transcripts: intron variant (1).
Genome position (GRCh38, 1-based): chr3:87,240,752, A>G. VCF-style: chr3-87240752-A-G. GRCh37 (hg19) VCF-style: chr3-87289902-A-G.
Other names: c.4-4962A>G (NM_001244644.2); c.88A>G (NM_014043.3); short protein forms R30G.
Identifiers: ClinVar variation 1048977 (VCV001048977.12), dbSNP rs139894940, ClinGen allele CA2500887.